The following is an entry in ClinVar:

ClinVar aggregate classification (germline): Uncertain significance (1 of 4 stars; one submission).

Conditions:
LAMA2-related muscular dystrophy (LAMA2-RD). Also called: Laminin alpha 2-related dystrophy. Identifiers: MedGen C5679788, MONDO:0100228.

gnomAD v4.1: 1 of 1,613,938 alleles (0.000062%); no homozygotes.

Submission:

Labcorp Genetics (formerly Invitae), Labcorp
Classification: Uncertain significance for LAMA2-related muscular dystrophy. Last evaluated: 2022-04-06. Review status: criteria provided, single submitter. Criteria: Invitae Variant Classification Sherloc (09022015). Collection method: clinical testing. Allele origin: germline.
Comment: This sequence change replaces alanine, which is neutral and non-polar, with glycine, which is neutral and non-polar, at codon 2044 of the LAMA2 protein (p.Ala2044Gly). This variant is not present in population databases (gnomAD no frequency). This variant has not been reported in the literature in individuals affected with LAMA2-related conditions. Advanced modeling of protein sequence and biophysical properties (such as structural, functional, and spatial information, amino acid conservation, physicochemical variation, residue mobility, and thermodynamic stability) performed at Invitae indicates that this missense variant is not expected to disrupt LAMA2 protein function. In summary, the available evidence is currently insufficient to determine the role of this variant in disease. Therefore, it has been classified as a Variant of Uncertain Significance.

NM_000426.4(LAMA2):c.6131C>G (p.Ala2044Gly)

Genes: LAMA2 (laminin subunit alpha 2; plus strand), LOC123864065 (Sharpr-MPRA regulatory region 661; plus strand). Cytogenetic location: 6q22.33.
Variant type: single nucleotide variant.
Coding change: c.6131C>G on transcript NM_000426.4 (MANE Select); coding-DNA position 6131, C replaced by G.
Protein change: p.Ala2044Gly; replaces alanine 2044 with glycine.
Molecular consequence: missense variant.
Genome position (GRCh38, 1-based): chr6:129,440,861, C>G. VCF-style: chr6-129440861-C-G. GRCh37 (hg19) VCF-style: chr6-129762006-C-G.
Other names: c.6131C>G, p.Ala2044Gly (NM_001079823.2); short protein forms A2044G.
Identifiers: ClinVar variation 1409873 (VCV001409873.5), dbSNP rs2114765475, ClinGen allele CA365629056.